The following is an entry in ClinVar:

NM_014467.3(SRPX2):c.356-295T>C

Gene: SRPX2 (sushi repeat containing protein X-linked 2; plus strand). Cytogenetic location: Xq22.1.
Variant type: single nucleotide variant.
Coding change: c.356-295T>C on transcript NM_014467.3 (MANE Select); 295 bases into the intron before coding-DNA position 356, T replaced by C.
Molecular consequence: intron variant.
Genome position (GRCh38, 1-based): chrX:100,664,479, T>C. VCF-style: chrX-100664479-T-C. GRCh37 (hg19) VCF-style: chrX-99919476-T-C.
Identifiers: ClinVar variation 668969 (VCV000668969.1), dbSNP rs5921620, ClinGen allele CA333080010.

ClinVar aggregate classification (germline): Benign (1 of 4 stars; one submission).

Allele frequency attached by ClinVar (database versions not stated): gnomAD 0.29374 and 0.29653; TOPMed 0.31311; 1000 Genomes Project 30x 0.40583; 1000 Genomes Project 0.40742.
gnomAD v4.1: 32,711 of 110,198 alleles (30%); highest among the groups gnomAD compares: South Asian, 47%; 3,950 homozygotes.

Submission:

GeneDx
Classification: Benign. Last evaluated: 2018-06-19. Review status: criteria provided, single submitter. Criteria: GeneDx Variant Classification (06012015). Collection method: clinical testing. Allele origin: germline. Affected: yes.
Comment: This variant is considered likely benign or benign based on one or more of the following criteria: it is a conservative change, it occurs at a poorly conserved position in the protein, it is predicted to be benign by multiple in silico algorithms, and/or has population frequency not consistent with disease.